The following is an entry in ClinVar:

NM_000548.5(TSC2):c.2152C>T (p.Arg718Cys)

Gene: TSC2 (TSC complex subunit 2; plus strand). Cytogenetic location: 16p13.3.
Variant type: single nucleotide variant.
Coding change: c.2152C>T on transcript NM_000548.5 (MANE Select); coding-DNA position 2152, C replaced by T.
Protein change: p.Arg718Cys; replaces arginine 718 with cysteine.
Molecular consequence: missense variant.
Genome position (GRCh38, 1-based): chr16:2,072,295, C>T. VCF-style: chr16-2072295-C-T. GRCh37 (hg19) VCF-style: chr16-2122296-C-T.
Other names: c.2152C>T (NM_000548.4); c.2152C>T, p.Arg718Cys (NM_001077183.3, NM_001114382.3, NM_001363528.2 and 3 more transcripts); c.2041C>T, p.Arg681Cys (NM_001318827.2); c.2005C>T, p.Arg669Cys (NM_001318829.2); c.1552C>T, p.Arg518Cys (NM_001318831.2); c.2185C>T, p.Arg729Cys (NM_001318832.2); short protein forms R718C, R518C, R729C, R669C, R681C.
Identifiers: ClinVar variation 406077 (VCV000406077.17), dbSNP rs182538665, ClinGen allele CA036889.

ClinVar aggregate classification (germline): Conflicting classifications of pathogenicity. Review status: criteria provided, conflicting classifications (1 of 4 stars). 5 submissions from 5 submitters: Likely pathogenic (1); Uncertain significance (2); Likely benign (2). Last evaluated 2025-12-21.

Conditions:
Hereditary cancer-predisposing syndrome. Also called: Tumor predisposition; Neoplastic Syndromes, Hereditary; Hereditary Cancer Syndrome; Hereditary neoplastic syndrome. Identifiers: Orphanet 140162, MedGen C0027672, MeSH D009386, MONDO:0015356.
Ovarian cancer. Also called: OVARIAN CANCER, SOMATIC. Identifiers: Orphanet 213500, MedGen C1140680, MONDO:0008170, OMIM 167000.
Tuberous sclerosis 2 (TSC2). Identifiers: Orphanet 805, MedGen C1860707, MONDO:0013199, OMIM 613254.

Allele frequency attached by ClinVar (database versions not stated): gnomAD 0.00001; TOPMed 0.00001; ExAC 0.00002; 1000 Genomes Project 30x 0.00016; 1000 Genomes Project 0.00020.
gnomAD v4.1: 13 of 1,614,126 alleles (0.00081%); highest among the groups gnomAD compares: Admixed American, 0.01%; no homozygotes.

Submissions (5):

Labcorp Genetics (formerly Invitae), Labcorp
Classification: Likely benign for Tuberous sclerosis 2. Last evaluated: 2025-12-21. Review status: criteria provided, single submitter. Criteria: Invitae Variant Classification Sherloc (09022015). Collection method: clinical testing. Allele origin: germline.

GeneDx
Classification: Uncertain significance. Last evaluated: 2023-02-14. Review status: criteria provided, single submitter. Criteria: GeneDx Variant Classification Process June 2021. Collection method: clinical testing. Allele origin: germline. Affected: yes.
Comment: In silico analysis supports that this missense variant has a deleterious effect on protein structure/function; Identified in a patient with clinically suspected tuberous sclerosis (Meng et al., 2021); This variant is associated with the following publications: (PMID: 32917966)

Ambry Genetics
Classification: Likely benign for Hereditary cancer-predisposing syndrome. Last evaluated: 2022-01-28. Review status: criteria provided, single submitter. Criteria: Ambry Variant Classification Scheme 2023. Collection method: clinical testing. Allele origin: germline.

Laboratory of Molecular Epidemiology of Birth Defects, West China Second University Hospital, Sichuan University
Classification: Likely pathogenic for Ovarian cancer. Last evaluated: 2022-01-01. Review status: criteria provided, single submitter. Criteria: ACMG Guidelines, 2015. Collection method: clinical testing. Allele origin: germline. Affected: yes.

Sema4
Classification: Uncertain significance for Hereditary cancer-predisposing syndrome. Last evaluated: 2021-11-19. Review status: criteria provided, single submitter. Criteria: Sema4 Curation Guidelines. Collection method: curation. Allele origin: germline.
Comment: The TSC2 c.2152C>T (p.R718C) variant has been reported in at least one individual suspected to have tuberous sclerosis complex (PMID: 32917966). It was observed in 5/34590 chromosomes of the Latino subpopulation in the large and broad cohorts of the Genome Aggregation Database (PMID: 32461654). The variant has been reported in ClinVar (Variation ID: 406077). In silico tools suggest the impact of the variant on protein function is deleterious, though these predictions have not been confirmed by functional studies. The evidence is insufficient to meet ACMG/AMP criteria for classifying the variant as benign or pathogenic. Thus, the clinical significance of this variant is currently uncertain.

Literature cited by the submitters: PubMed 32917966 (cited by Ambry Genetics and Sema4).